The following is an entry in ClinVar:

NM_020738.4(KIDINS220):c.1974A>G (p.Pro658=)

Gene: KIDINS220 (kinase D interacting substrate 220; minus strand). Cytogenetic location: 2p25.1.
Variant type: single nucleotide variant.
Coding change: c.1974A>G on transcript NM_020738.4 (MANE Select); coding-DNA position 1974, A replaced by G.
Protein change: p.Pro658=; no amino-acid change (proline 658 retained).
Molecular consequence: synonymous variant. On other transcripts: non-coding transcript variant (2).
Genome position (GRCh38, 1-based): chr2:8,785,996, T>C on the plus strand (A>G on the coding strand, the complement: KIDINS220 is on the minus strand). VCF-style: chr2-8785996-T-C. GRCh37 (hg19) VCF-style: chr2-8926126-T-C.
Other names: c.1977A>G, p.Pro659= (NM_001348729.2, NM_001348731.2, NM_001348734.2 and 3 more transcripts); c.1974A>G, p.Pro658= (NM_001348732.2, NM_001348735.2, NM_001348738.2 and 3 more transcripts); c.1848A>G, p.Pro616= (NM_001348736.2); c.1974A>G (NM_020738.2).
Identifiers: ClinVar variation 3617077 (VCV003617077.3).

ClinVar aggregate classification (germline): Likely benign. Review status: criteria provided, multiple submitters, no conflicts (2 of 4 stars). 2 submissions from 2 submitters: Likely benign (2). Last evaluated 2025-01-15.

Conditions:
KIDINS220-related disorder. Also called: KIDINS220-related condition.

gnomAD v4.1: 12 of 1,610,706 alleles (0.00075%); highest among the groups gnomAD compares: African/African-American, 0.015%; no homozygotes.

Submissions (2):

PreventionGenetics, part of Exact Sciences
Classification: Likely benign for KIDINS220-related condition. Last evaluated: 2025-01-15. Review status: criteria provided, single submitter. Criteria: ACMG Guidelines, 2015. Collection method: clinical testing. Allele origin: germline.
Comment: This variant is classified as likely benign based on ACMG/AMP sequence variant interpretation guidelines (Richards et al. 2015 PMID: 25741868, with internal and published modifications).

Labcorp Genetics (formerly Invitae), Labcorp
Classification: Likely benign. Last evaluated: 2024-03-05. Review status: criteria provided, single submitter. Criteria: Invitae Variant Classification Sherloc (09022015). Collection method: clinical testing. Allele origin: germline.